The following is an entry in ClinVar:

ClinVar aggregate classification (germline): Pathogenic (1 of 4 stars; one submission).

Conditions:
Autosomal recessive nonsyndromic hearing loss 49. Also called: Deafness, neurosensory, autosomal recessive 49. Identifiers: Orphanet 90636, MedGen C1857811, MONDO:0012420, OMIM 610153.

Submission:

Institute of Rare Diseases, West China Hospital, Sichuan University
Classification: Pathogenic for Autosomal recessive nonsyndromic hearing loss 49. Last evaluated: 2025-01-09. Review status: criteria provided, single submitter. Criteria: ClinGen HL ACMG Specifications v1. Collection method: research. Allele origin: germline. Affected: yes.
Comment: PVS1;PM3;PM2_Supporting

NM_001038603.3(MARVELD2):c.1295del (p.His432fs)

Gene: MARVELD2 (MARVEL domain containing 2; plus strand). Cytogenetic location: 5q13.2.
Variant type: Deletion.
Coding change: c.1295del on transcript NM_001038603.3 (MANE Select); coding-DNA position 1295, one base deleted (A; older notation c.1295delA).
Protein change: p.His432fs; shifts the reading frame from histidine 432.
Molecular consequence: frameshift variant.
Genome position (GRCh38, 1-based): chr5:69,432,639, A deleted. VCF-style (leftmost placement, unchanged base first): chr5-69432638-CA-C. GRCh37 (hg19) VCF-style: chr5-68728465-CA-C.
Other names: c.1259del, p.His420fs (NM_001244734.2); short protein forms H420fs, H432fs.
Identifiers: ClinVar variation 3601226 (VCV003601226.1).
Genomic context (GRCh38, chr5:69,432,638, plus strand): 5'-AAGGAACTGAGAACAGCAAAAATGAAACCTGAACTACTGAGTGGACACATCCCCCCAGGC[CA>C]CATTCCTAAACCTATCGTGATGCCCGACTATGTGGCGTGAGTGTCAGTCTGAATTCTTCC-3'